The following is an entry in ClinVar:

ClinVar aggregate classification (germline): Uncertain significance. Review status: criteria provided, multiple submitters, no conflicts (2 of 4 stars). 3 submissions from 3 submitters: Uncertain significance (3). Last evaluated 2022-06-23.

Conditions:
Hereditary sensory and autonomic neuropathy type 6. Also called: HSAN VI; Neuropathy, hereditary sensory and autonomic, type VI. Identifiers: Orphanet 314381, MedGen C3539003, MONDO:0013839, OMIM 614653.
Epidermolysis bullosa simplex 3, localized or generalized intermediate, with BP230 deficiency (EBS3). Also called: Epidermolysis bullosa simplex, autosomal recessive 2; Epidermolysis bullosa simplex due to BP230 deficiency. Identifiers: Orphanet 412181, MedGen C3809470, MONDO:0014180, OMIM 615425.
Inborn genetic diseases. Identifiers: MedGen C0950123, MeSH D030342.

Allele frequency attached by ClinVar (database versions not stated): gnomAD exomes below 0.00001 and 0.00002; ExAC 0.00001; gnomAD 0.00001; TOPMed 0.00001; ESP Exome Variant Server 0.00008.
gnomAD v4.1: 26 of 1,612,564 alleles (0.0016%); highest among the groups gnomAD compares: South Asian, 0.0033%; no homozygotes.

Submissions (3):

Ambry Genetics
Classification: Uncertain significance for Inborn genetic diseases. Last evaluated: 2022-06-23. Review status: criteria provided, single submitter. Criteria: Ambry Variant Classification Scheme 2023. Collection method: clinical testing. Allele origin: germline.
Comment: The p.R620C variant (also known as c.1858C>T), located in coding exon 16 of the DST gene, results from a C to T substitution at nucleotide position 1858. The arginine at codon 620 is replaced by cysteine, an amino acid with highly dissimilar properties. This amino acid position is highly conserved in available vertebrate species. In addition, this alteration is predicted to be deleterious by in silico analysis. Since supporting evidence is limited at this time, the clinical significance of this alteration remains unclear.

Labcorp Genetics (formerly Invitae), Labcorp
Classification: Uncertain significance for Epidermolysis bullosa simplex 3, localized or generalized intermediate, with BP230 deficiency; Hereditary sensory and autonomic neuropathy type 6. Last evaluated: 2021-09-01. Review status: criteria provided, single submitter. Criteria: Invitae Variant Classification Sherloc (09022015). Collection method: clinical testing. Allele origin: germline.
Comment: This sequence change replaces arginine with cysteine at codon 116 of the DST protein (p.Arg116Cys). The arginine residue is highly conserved and there is a large physicochemical difference between arginine and cysteine. This variant is present in population databases (rs377406538, ExAC 0.002%). This variant has not been reported in the literature in individuals affected with DST-related conditions. Algorithms developed to predict the effect of missense changes on protein structure and function (SIFT, PolyPhen-2, Align-GVGD) all suggest that this variant is likely to be disruptive. In summary, the available evidence is currently insufficient to determine the role of this variant in disease. Therefore, it has been classified as a Variant of Uncertain Significance.

Breakthrough Genomics
Classification: Uncertain significance. Review status: criteria provided, single submitter. Criteria: ACMG Guidelines, 2015. Collection method: not provided. Allele origin: germline. Inheritance: Autosomal recessive inheritance. Affected: yes.

NM_001374736.1(DST):c.1957C>T (p.Arg653Cys)

Gene: DST (dystonin; minus strand). Cytogenetic location: 6p12.1.
Variant type: single nucleotide variant.
Coding change: c.1957C>T on transcript NM_001374736.1 (MANE Select); coding-DNA position 1957, C replaced by T.
Protein change: p.Arg653Cys; replaces arginine 653 with cysteine.
Molecular consequence: missense variant.
Genome position (GRCh38, 1-based): chr6:56,642,017, G>A on the plus strand (C>T on the coding strand, the complement: DST is on the minus strand). VCF-style: chr6-56642017-G-A. GRCh37 (hg19) VCF-style: chr6-56506815-G-A.
Other names: c.1858C>T, p.Arg620Cys (NM_001144769.5); c.1444C>T, p.Arg482Cys (NM_001144770.2); c.1957C>T, p.Arg653Cys (NM_001374722.1); c.1324C>T, p.Arg442Cys (NM_001374729.1, NM_001374730.1, NM_001386100.1 and 1 more transcripts); c.1984C>T, p.Arg662Cys (NM_001374734.1); c.346C>T, p.Arg116Cys (NM_001723.7, NM_015548.5); short protein forms R116C, R482C, R620C, R442C, R653C, R662C.
Identifiers: ClinVar variation 474520 (VCV000474520.9), dbSNP rs377406538, ClinGen allele CA3871525.
Genomic context (GRCh38, chr6:56,642,017, plus strand): 5'-ATTGATCTGCCTGGTAGTATTTTCCATCAATAAGAATCTGTACATCAATTACATGCTGGC[G>A]TAAAAGGTTCTCACATTCAAGTATATACCCAGCAATTTCTGCTTCATTCTGAAACTGCAC-3'
Protein context (NP_001361665.1, residues 643-663): GYILECENLL[Arg653Cys]QHVIDVQILI